The following is an entry in ClinVar:

NM_001080476.3(GRXCR1):c.698T>C (p.Val233Ala)

Gene: GRXCR1 (glutaredoxin and cysteine rich domain containing 1; plus strand). Cytogenetic location: 4p13.
Variant type: single nucleotide variant.
Coding change: c.698T>C on transcript NM_001080476.3 (MANE Select); coding-DNA position 698, T replaced by C.
Protein change: p.Val233Ala; replaces valine 233 with alanine.
Molecular consequence: missense variant.
Genome position (GRCh38, 1-based): chr4:43,030,365, T>C. VCF-style: chr4-43030365-T-C. GRCh37 (hg19) VCF-style: chr4-43032382-T-C.
Other names: c.698T>C (NM_001080476.2); short protein forms V233A.
Identifiers: ClinVar variation 1920333 (VCV001920333.6), dbSNP rs1285589545, ClinGen allele CA356791703.
Genomic context (GRCh38, chr4:43,030,365, plus strand): 5'-GTTGTTCATGCTAACACATCCTCTGTTTTCTCTTGTTCCCCTGCCACCTTATACAGAGAG[T>C]ACAGCATCCACATGAGTGTCCCTCTTGTGGAGGCTTTGGCTTTCTTCCATGCTCCGTGTG-3'
Protein context (NP_001073945.1, residues 223-243): LQDILTKIER[Val233Ala]QHPHECPSCG

ClinVar aggregate classification (germline): Uncertain significance. Review status: criteria provided, multiple submitters, no conflicts (2 of 4 stars). 2 submissions from 2 submitters: Uncertain significance (2). Last evaluated 2025-07-15.

Conditions:
Inborn genetic diseases. Identifiers: MedGen C0950123, MeSH D030342.

Allele frequency attached by ClinVar (database versions not stated): gnomAD exomes 0.00001.
gnomAD v4.1: 13 of 1,613,464 alleles (0.00081%); highest among the groups gnomAD compares: Non-Finnish European, 0.0011%; no homozygotes.

Submissions (2):

Ambry Genetics
Classification: Uncertain significance for Inborn genetic diseases. Last evaluated: 2025-07-15. Review status: criteria provided, single submitter. Criteria: Ambry Variant Classification Scheme 2023. Collection method: clinical testing. Allele origin: germline.

Labcorp Genetics (formerly Invitae), Labcorp
Classification: Uncertain significance. Last evaluated: 2022-03-02. Review status: criteria provided, single submitter. Criteria: Invitae Variant Classification Sherloc (09022015). Collection method: clinical testing. Allele origin: germline.
Comment: This variant is present in population databases (no rsID available, gnomAD 0.002%). In summary, the available evidence is currently insufficient to determine the role of this variant in disease. Therefore, it has been classified as a Variant of Uncertain Significance. Algorithms developed to predict the effect of missense changes on protein structure and function are either unavailable or do not agree on the potential impact of this missense change (SIFT: "Tolerated"; PolyPhen-2: "Probably Damaging"; Align-GVGD: "Class C0"). This variant has not been reported in the literature in individuals affected with GRXCR1-related conditions. This sequence change replaces valine, which is neutral and non-polar, with alanine, which is neutral and non-polar, at codon 233 of the GRXCR1 protein (p.Val233Ala).